The following is an entry in ClinVar:

NM_001395159.1(UNC79):c.2236C>T (p.Arg746Ter)

Gene: UNC79 (unc-79 subunit of NALCN channel complex; plus strand). Cytogenetic location: 14q32.12.
Variant type: single nucleotide variant.
Coding change: c.2236C>T on transcript NM_001395159.1 (MANE Select); coding-DNA position 2236, C replaced by T.
Protein change: p.Arg746Ter; replaces arginine 746 with a stop codon.
Molecular consequence: nonsense.
Genome position (GRCh38, 1-based): chr14:93,577,866, C>T. VCF-style: chr14-93577866-C-T. GRCh37 (hg19) VCF-style: chr14-94044212-C-T.
Other names: c.2236C>T, p.Arg746Ter (NM_001346218.2); c.1705C>T, p.Arg569Ter (NM_020818.5); short protein forms R746*, R569*.
Identifiers: ClinVar variation 4088188 (VCV004088188.1).

ClinVar aggregate classification (germline): Likely pathogenic (1 of 4 stars; one submission).

Submission:

GeneDx
Classification: Likely pathogenic. Last evaluated: 2025-03-25. Review status: criteria provided, single submitter. Criteria: GeneDx Variant Classification Process June 2021. Collection method: clinical testing. Allele origin: germline. Affected: yes.
Comment: Nonsense variant predicted to result in protein truncation or nonsense mediated decay in a gene for which loss of function is a known mechanism of disease; Not observed at significant frequency in large population cohorts (gnomAD); Has not been previously published as pathogenic or benign to our knowledge